The following is an entry in ClinVar:

NM_000393.5(COL5A2):c.1229C>T (p.Pro410Leu)

Gene: COL5A2 (collagen type V alpha 2 chain; minus strand). Cytogenetic location: 2q32.2.
Variant type: single nucleotide variant.
Coding change: c.1229C>T on transcript NM_000393.5 (MANE Select); coding-DNA position 1229, C replaced by T.
Protein change: p.Pro410Leu; replaces proline 410 with leucine.
Molecular consequence: missense variant.
Genome position (GRCh38, 1-based): chr2:189,068,814, G>A on the plus strand (C>T on the coding strand, the complement: COL5A2 is on the minus strand). VCF-style: chr2-189068814-G-A. GRCh37 (hg19) VCF-style: chr2-189933540-G-A.
Other names: short protein forms P410L.
Identifiers: ClinVar variation 2727913 (VCV002727913.3), dbSNP rs775078923, ClinGen allele CA2022784.

ClinVar aggregate classification (germline): Uncertain significance (1 of 4 stars; one submission).

Conditions:
Ehlers-Danlos syndrome, classic type, 1 (EDSCL1). Also called: EHLERS-DANLOS SYNDROME, GRAVIS TYPE; EHLERS-DANLOS SYNDROME, SEVERE CLASSIC TYPE; Ehlers-Danlos syndrome, type 1; Ehlers-Danlos Syndrome, Classic Type, COL5A1-Related; EDS I. Identifiers: MedGen C0268335, MONDO:0019567, OMIM 130000.

Allele frequency attached by ClinVar (database versions not stated): gnomAD exomes 0.00001; TOPMed below 0.00001; ExAC 0.00001.
gnomAD v4.1: 18 of 1,612,468 alleles (0.0011%); highest among the groups gnomAD compares: African/African-American, 0.0027%; no homozygotes.

Submission:

Labcorp Genetics (formerly Invitae), Labcorp
Classification: Uncertain significance for Ehlers-Danlos syndrome, classic type, 1. Last evaluated: 2023-08-16. Review status: criteria provided, single submitter. Criteria: Invitae Variant Classification Sherloc (09022015). Collection method: clinical testing. Allele origin: germline.
Comment: Advanced modeling of protein sequence and biophysical properties (such as structural, functional, and spatial information, amino acid conservation, physicochemical variation, residue mobility, and thermodynamic stability) performed at Invitae indicates that this missense variant is not expected to disrupt COL5A2 protein function. This sequence change replaces proline, which is neutral and non-polar, with leucine, which is neutral and non-polar, at codon 410 of the COL5A2 protein (p.Pro410Leu). This variant is present in population databases (rs775078923, gnomAD 0.0009%). This variant has not been reported in the literature in individuals affected with COL5A2-related conditions. In summary, the available evidence is currently insufficient to determine the role of this variant in disease. Therefore, it has been classified as a Variant of Uncertain Significance.